The following is an entry in ClinVar:

NM_006261.5(PROP1):c.*419C>T

Gene: PROP1 (PROP paired-like homeobox 1; minus strand). Cytogenetic location: 5q35.3.
Variant type: single nucleotide variant.
Coding change: c.*419C>T on transcript NM_006261.5 (MANE Select); 419 bases downstream of the stop codon, C replaced by T.
Molecular consequence: 3 prime UTR variant.
Genome position (GRCh38, 1-based): chr5:177,992,290, G>A on the plus strand (C>T on the coding strand, the complement: PROP1 is on the minus strand). VCF-style: chr5-177992290-G-A. GRCh37 (hg19) VCF-style: chr5-177419291-G-A.
Identifiers: ClinVar variation 353008 (VCV000353008.5), dbSNP rs116225539, ClinGen allele CA10624301.

ClinVar aggregate classification (germline): Benign (1 of 4 stars; one submission).

Conditions:
Pituitary hormone deficiency, combined, 2. Also called: PROP1-Related Combined Pituitary Hormone Deficiency; ATELIOTIC DWARFISM WITH HYPOGONADISM; HANHART DWARFISM; PITUITARY DWARFISM III. Identifiers: MedGen C0878683, MONDO:0009878, OMIM 262600.

Allele frequency attached by ClinVar (database versions not stated): gnomAD exomes 0.01782; gnomAD 0.02154 and 0.02843; TOPMed 0.02475; 1000 Genomes Project 30x 0.06387; 1000 Genomes Project 0.06809.
gnomAD v4.1: 4,801 of 179,120 alleles (2.7%); highest among the groups gnomAD compares: South Asian, 17%; 173 homozygotes.

Submission:

Illumina Laboratory Services, Illumina
Classification: Benign for Pituitary hormone deficiency, combined, 2. Last evaluated: 2018-01-12. Review status: criteria provided, single submitter. Criteria: ICSL Variant Classification Criteria 13 December 2019. Collection method: clinical testing. Allele origin: germline.
Comment: This variant was observed in the ICSL laboratory as part of a predisposition screen in an ostensibly healthy population. It had not been previously curated by ICSL or reported in the Human Gene Mutation Database (HGMD: prior to June 1st, 2018), and was therefore a candidate for classification through an automated scoring system. Utilizing variant allele frequency, disease prevalence and penetrance estimates, and inheritance mode, an automated score was calculated to assess if this variant is too frequent to cause the disease. Based on the score and internal cut-off values, a variant classified as benign is not then subjected to further curation. The score for this variant resulted in a classification of benign for this disease.